The following is an entry in ClinVar:

ClinVar aggregate classification (germline): Uncertain significance (1 of 4 stars; one submission).

Conditions:
Hereditary insensitivity to pain with anhidrosis (CIPA). Also called: NTRK1 Congenital Insensitivity to Pain with Anhidrosis; FAMILIAL DYSAUTONOMIA, TYPE II; NEUROPATHY, CONGENITAL SENSORY, WITH ANHIDROSIS; hereditary sensory and autonomic neuropathy type 4; HSAN Type IV; INSENSITIVITY TO PAIN, CONGENITAL, WITH ANHIDROSIS. Identifiers: Orphanet 642, MedGen C0020074, MONDO:0009746, OMIM 256800.

Allele frequency attached by ClinVar (database versions not stated): gnomAD exomes below 0.00001.
gnomAD v4.1: 2 of 1,613,208 alleles (0.00012%); highest among the groups gnomAD compares: Non-Finnish European, 0.00017%; no homozygotes.

Submission:

Labcorp Genetics (formerly Invitae), Labcorp
Classification: Uncertain significance for Hereditary insensitivity to pain with anhidrosis. Last evaluated: 2021-09-02. Review status: criteria provided, single submitter. Criteria: Invitae Variant Classification Sherloc (09022015). Collection method: clinical testing. Allele origin: germline.
Comment: This sequence change replaces glycine with aspartic acid at codon 617 of the NTRK1 protein (p.Gly617Asp). The glycine residue is moderately conserved and there is a moderate physicochemical difference between glycine and aspartic acid. This variant is not present in population databases (ExAC no frequency). This variant has not been reported in the literature in individuals affected with NTRK1-related conditions. Algorithms developed to predict the effect of missense changes on protein structure and function (SIFT, PolyPhen-2, Align-GVGD) all suggest that this variant is likely to be tolerated. In summary, the available evidence is currently insufficient to determine the role of this variant in disease. Therefore, it has been classified as a Variant of Uncertain Significance.

NM_002529.4(NTRK1):c.1868G>A (p.Gly623Asp)

Gene: NTRK1 (neurotrophic receptor tyrosine kinase 1; plus strand). Cytogenetic location: 1q23.1.
Variant type: single nucleotide variant.
Coding change: c.1868G>A on transcript NM_002529.4 (MANE Select); coding-DNA position 1868, G replaced by A.
Protein change: p.Gly623Asp; replaces glycine 623 with aspartic acid.
Molecular consequence: missense variant.
Genome position (GRCh38, 1-based): chr1:156,879,184, G>A. VCF-style: chr1-156879184-G-A. GRCh37 (hg19) VCF-style: chr1-156848976-G-A.
Other names: c.1760G>A, p.Gly587Asp (NM_001007792.1); c.1850G>A, p.Gly617Asp (NM_001012331.2); short protein forms G623D, G617D, G587D.
Identifiers: ClinVar variation 969872 (VCV000969872.7), dbSNP rs1648099765, ClinGen allele CA342939573.